The following is an entry in ClinVar:

NM_014806.5(RUSC2):c.2018G>A (p.Gly673Asp)

Gene: RUSC2 (RUN and SH3 domain containing 2; plus strand). Cytogenetic location: 9p13.3.
Variant type: single nucleotide variant.
Coding change: c.2018G>A on transcript NM_014806.5 (MANE Select); coding-DNA position 2018, G replaced by A.
Protein change: p.Gly673Asp; replaces glycine 673 with aspartic acid.
Molecular consequence: missense variant. On other transcripts: 5 prime UTR variant (1), non-coding transcript variant (1).
Genome position (GRCh38, 1-based): chr9:35,555,063, G>A. VCF-style: chr9-35555063-G-A. GRCh37 (hg19) VCF-style: chr9-35555060-G-A.
Other names: c.2018G>A (NM_001135999.1); c.2018G>A, p.Gly673Asp (NM_001135999.2); c.-617G>A (NM_001330740.2); short protein forms G673D.
Identifiers: ClinVar variation 1958861 (VCV001958861.7), dbSNP rs1196389252, ClinGen allele CA373339124.
Genomic context (GRCh38, chr9:35,555,063, plus strand): 5'-CTCTCATATGGGTTTCAGTGTCTGTCTACTGATTTCTTCTCCATCCCTTTGCTACAGGGG[G>A]TGGCACCGAGAGCCGACCAGTCCTTCGCTACAGCAAGGAACAGAGGCCAACCACACTGCC-3'
Protein context (NP_055621.2, residues 663-683): QRDARARADG[Gly673Asp]GTESRPVLRY

ClinVar aggregate classification (germline): Uncertain significance. Review status: criteria provided, multiple submitters, no conflicts (2 of 4 stars). 3 submissions from 3 submitters: Uncertain significance (3). Last evaluated 2025-08-19.

Allele frequency attached by ClinVar (database versions not stated): TOPMed below 0.00001; gnomAD exomes 0.00001.
gnomAD v4.1: 5 of 1,611,128 alleles (0.00031%); highest among the groups gnomAD compares: Middle Eastern, 0.066%; no homozygotes.

Submissions (3):

Ambry Genetics
Classification: Uncertain significance. Last evaluated: 2025-08-19. Review status: criteria provided, single submitter. Criteria: Ambry Variant Classification Scheme 2023. Collection method: clinical testing. Allele origin: germline.

GeneDx
Classification: Uncertain significance. Last evaluated: 2025-03-02. Review status: criteria provided, single submitter. Criteria: GeneDx Variant Classification Process June 2021. Collection method: clinical testing. Allele origin: germline. Affected: yes.
Comment: Not observed at significant frequency in large population cohorts (gnomAD); In silico analysis indicates that this missense variant does not alter protein structure/function; Has not been previously published as pathogenic or benign to our knowledge

Labcorp Genetics (formerly Invitae), Labcorp
Classification: Uncertain significance. Last evaluated: 2022-09-19. Review status: criteria provided, single submitter. Criteria: Invitae Variant Classification Sherloc (09022015). Collection method: clinical testing. Allele origin: germline.
Comment: Algorithms developed to predict the effect of missense changes on protein structure and function are either unavailable or do not agree on the potential impact of this missense change (SIFT: "Tolerated"; PolyPhen-2: "Possibly Damaging"; Align-GVGD: "Class C0"). This sequence change replaces glycine, which is neutral and non-polar, with aspartic acid, which is acidic and polar, at codon 673 of the RUSC2 protein (p.Gly673Asp). This variant is present in population databases (no rsID available, gnomAD 0.0009%). This variant has not been reported in the literature in individuals affected with RUSC2-related conditions. In summary, the available evidence is currently insufficient to determine the role of this variant in disease. Therefore, it has been classified as a Variant of Uncertain Significance.